The following is an entry in ClinVar:

NM_201525.4(ADGRG1):c.193del (p.Leu65fs)

Gene: ADGRG1 (adhesion G protein-coupled receptor G1; plus strand). Cytogenetic location: 16q21.
Variant type: Deletion.
Coding change: c.193del on transcript NM_201525.4 (MANE Select); coding-DNA position 193, one base deleted (C; older notation c.193delC).
Protein change: p.Leu65fs; shifts the reading frame from leucine 65.
Molecular consequence: frameshift variant. On other transcripts: 5 prime UTR variant (5), intron variant (2).
Genome position (GRCh38, 1-based): chr16:57,651,328, C deleted; the last of 3 consecutive C bases (chr16:57,651,326-57,651,328); deleting any one gives the same sequence. VCF-style (leftmost placement, unchanged base first): chr16-57651325-GC-G. GRCh37 (hg19) VCF-style: chr16-57685237-GC-G.
Other names: c.193del, p.Leu65fs (NM_001370441.1, NM_005682.7, NM_201524.4 and 16 more transcripts); c.-333del (NM_001370451.1, NM_001370453.1, NM_001370454.1 and 2 more transcripts); c.110+83del (NM_001290142.2); c.65-28del (NM_001370442.1); c.208del, p.Leu70fs (NM_001145773.3, NM_001370433.1); short protein forms L70fs, L65fs.
Identifiers: ClinVar variation 2705696 (VCV002705696.3), dbSNP rs2545105047, ClinGen allele CA2697555877.

ClinVar aggregate classification (germline): Pathogenic (1 of 4 stars; one submission).

Submission:

Labcorp Genetics (formerly Invitae), Labcorp
Classification: Pathogenic. Last evaluated: 2023-12-26. Review status: criteria provided, single submitter. Criteria: Invitae Variant Classification Sherloc (09022015). Collection method: clinical testing. Allele origin: germline.
Comment: This sequence change creates a premature translational stop signal (p.Leu65Serfs*48) in the ADGRG1 gene. It is expected to result in an absent or disrupted protein product. Loss-of-function variants in ADGRG1 are known to be pathogenic (PMID: 15044805, 20929962). This variant is not present in population databases (gnomAD no frequency). This variant has not been reported in the literature in individuals affected with ADGRG1-related conditions. For these reasons, this variant has been classified as Pathogenic.

Literature cited by the submitters: PubMed 15044805; PubMed 20929962.